The following is an entry in ClinVar:

NM_030957.4(ADAMTS10):c.770G>A (p.Arg257His)

Gene: ADAMTS10 (ADAM metallopeptidase with thrombospondin type 1 motif 10; minus strand). Cytogenetic location: 19p13.2.
Variant type: single nucleotide variant.
Coding change: c.770G>A on transcript NM_030957.4 (MANE Select); coding-DNA position 770, G replaced by A.
Protein change: p.Arg257His; replaces arginine 257 with histidine.
Molecular consequence: missense variant.
Genome position (GRCh38, 1-based): chr19:8,600,968, C>T on the plus strand (G>A on the coding strand, the complement: ADAMTS10 is on the minus strand). VCF-style: chr19-8600968-C-T. GRCh37 (hg19) VCF-style: chr19-8665852-C-T.
Other names: short protein forms R257H.
Identifiers: ClinVar variation 4766462 (VCV004766462.1).

ClinVar aggregate classification (germline): Uncertain significance (1 of 4 stars; one submission).

gnomAD v4.1: 2 of 1,614,148 alleles (0.00012%); highest among the groups gnomAD compares: Non-Finnish European, 0.00017%; no homozygotes.

Submission:

Labcorp Genetics (formerly Invitae), Labcorp
Classification: Uncertain significance. Last evaluated: 2025-08-08. Review status: criteria provided, single submitter. Criteria: Invitae Variant Classification Sherloc (09022015). Collection method: clinical testing. Allele origin: germline.
Comment: This sequence change replaces arginine, which is basic and polar, with histidine, which is basic and polar, at codon 257 of the ADAMTS10 protein (p.Arg257His). This variant is not present in population databases (gnomAD no frequency). This variant has not been reported in the literature in individuals affected with ADAMTS10-related conditions. An algorithm developed to predict the effect of missense changes on protein structure and function (PolyPhen-2) suggests that this variant is likely to be disruptive. In summary, the available evidence is currently insufficient to determine the role of this variant in disease. Therefore, it has been classified as a Variant of Uncertain Significance.